The following is an entry in ClinVar:

ClinVar aggregate classification (germline): Uncertain significance (1 of 4 stars; one submission).

Allele frequency attached by ClinVar (database versions not stated): gnomAD exomes below 0.00001.
gnomAD v4.1: 1 of 1,614,010 alleles (0.000062%); highest among the groups gnomAD compares: Non-Finnish European, 0.000085%; no homozygotes.

Submission:

GeneDx
Classification: Uncertain significance. Last evaluated: 2019-10-28. Review status: criteria provided, single submitter. Criteria: GeneDx Variant Classification Process June 2021. Collection method: clinical testing. Allele origin: germline. Affected: yes.
Comment: Not observed in large population cohorts (Lek et al., 2016); In silico analysis, which includes protein predictors and evolutionary conservation, supports a deleterious effect; Has not been previously published as pathogenic or benign to our knowledge

NM_033305.3(VPS13A):c.4541T>G (p.Leu1514Arg)

Gene: VPS13A (vacuolar protein sorting 13 homolog A; plus strand). Cytogenetic location: 9q21.2.
Variant type: single nucleotide variant.
Coding change: c.4541T>G on transcript NM_033305.3 (MANE Select); coding-DNA position 4541, T replaced by G.
Protein change: p.Leu1514Arg; replaces leucine 1514 with arginine.
Molecular consequence: missense variant.
Genome position (GRCh38, 1-based): chr9:77,315,381, T>G. VCF-style: chr9-77315381-T-G. GRCh37 (hg19) VCF-style: chr9-79930297-T-G.
Other names: c.4424T>G, p.Leu1475Arg (NM_001018037.2); c.4541T>G, p.Leu1514Arg (NM_001018038.3, NM_015186.4); short protein forms L1475R, L1514R.
Identifiers: ClinVar variation 1302978 (VCV001302978.2), dbSNP rs1209643081, ClinGen allele CA373856315.